The following is an entry in ClinVar:

ClinVar aggregate classification (germline): Uncertain significance (1 of 4 stars; one submission).

gnomAD v4.1: 3 of 1,591,470 alleles (0.00019%); highest among the groups gnomAD compares: Middle Eastern, 0.017%; no homozygotes.

Submission:

GeneDx
Classification: Uncertain significance. Last evaluated: 2024-08-01. Review status: criteria provided, single submitter. Criteria: GeneDx Variant Classification Process June 2021. Collection method: clinical testing. Allele origin: germline. Affected: yes.
Comment: Not observed at significant frequency in large population cohorts (gnomAD); In silico analysis supports that this missense variant has a deleterious effect on protein structure/function; Has not been previously published as pathogenic or benign to our knowledge

NM_001013838.3(CARMIL2):c.3527C>T (p.Ser1176Leu)

Gene: CARMIL2 (capping protein regulator and myosin 1 linker 2; plus strand). Cytogenetic location: 16q22.1.
Variant type: single nucleotide variant.
Coding change: c.3527C>T on transcript NM_001013838.3 (MANE Select); coding-DNA position 3527, C replaced by T.
Protein change: p.Ser1176Leu; replaces serine 1176 with leucine.
Molecular consequence: missense variant.
Genome position (GRCh38, 1-based): chr16:67,654,637, C>T. VCF-style: chr16-67654637-C-T. GRCh37 (hg19) VCF-style: chr16-67688540-C-T.
Other names: c.3419C>T, p.Ser1140Leu (NM_001317026.3); short protein forms S1140L, S1176L.
Identifiers: ClinVar variation 3602464 (VCV003602464.1).